The following is an entry in ClinVar:

NM_000426.4(LAMA2):c.4624G>C (p.Val1542Leu)

Gene: LAMA2 (laminin subunit alpha 2; plus strand). Cytogenetic location: 6q22.33.
Variant type: single nucleotide variant.
Coding change: c.4624G>C on transcript NM_000426.4 (MANE Select); coding-DNA position 4624, G replaced by C.
Protein change: p.Val1542Leu; replaces valine 1542 with leucine.
Molecular consequence: missense variant.
Genome position (GRCh38, 1-based): chr6:129,353,264, G>C. VCF-style: chr6-129353264-G-C. GRCh37 (hg19) VCF-style: chr6-129674409-G-C.
Other names: c.4624G>C, p.Val1542Leu (NM_001079823.2); short protein forms V1542L.
Identifiers: ClinVar variation 966901 (VCV000966901.9), dbSNP rs1776958329, ClinGen allele CA365618637.
Genomic context (GRCh38, chr6:129,353,264, plus strand): 5'-GGCTCCTGCCAAGAATGTGAGTGTGATCCCTATGGCTCACTGCCTGTGCCCTGTGACCCT[G>C]TCACAGGATTCTGCACGTGCCGACCTGGAGCCACGGGAAGGAAGTGTGACGGCTGCAAGC-3'
Protein context (NP_000417.3, residues 1532-1552): YGSLPVPCDP[Val1542Leu]TGFCTCRPGA

ClinVar aggregate classification (germline): Uncertain significance (1 of 4 stars; one submission).

Conditions:
LAMA2-related muscular dystrophy (LAMA2-RD). Also called: Laminin alpha 2-related dystrophy. Identifiers: MedGen C5679788, MONDO:0100228.

Submission:

Labcorp Genetics (formerly Invitae), Labcorp
Classification: Uncertain significance for LAMA2-related muscular dystrophy. Last evaluated: 2022-07-06. Review status: criteria provided, single submitter. Criteria: Invitae Variant Classification Sherloc (09022015). Collection method: clinical testing. Allele origin: germline.
Comment: In summary, the available evidence is currently insufficient to determine the role of this variant in disease. Therefore, it has been classified as a Variant of Uncertain Significance. Algorithms developed to predict the effect of sequence changes on RNA splicing suggest that this variant may create or strengthen a splice site. Advanced modeling of protein sequence and biophysical properties (such as structural, functional, and spatial information, amino acid conservation, physicochemical variation, residue mobility, and thermodynamic stability) performed at Invitae indicates that this missense variant is not expected to disrupt LAMA2 protein function. ClinVar contains an entry for this variant (Variation ID: 966901). This variant has not been reported in the literature in individuals affected with LAMA2-related conditions. This variant is not present in population databases (gnomAD no frequency). This sequence change replaces valine, which is neutral and non-polar, with leucine, which is neutral and non-polar, at codon 1542 of the LAMA2 protein (p.Val1542Leu).